The following is an entry in ClinVar:

NM_001267550.2(TTN):c.75959C>G (p.Ser25320Ter)

Genes: TTN (titin; minus strand), TTN-AS1 (TTN antisense RNA 1; plus strand). Cytogenetic location: 2q31.2.
Variant type: single nucleotide variant.
Coding change: c.75959C>G on transcript NM_001267550.2 (MANE Select); coding-DNA position 75959, C replaced by G.
Protein change: p.Ser25320Ter; replaces serine 25320 with a stop codon.
Molecular consequence: nonsense.
Genome position (GRCh38, 1-based): chr2:178,570,173, G>C on the plus strand (C>G on the coding strand, the complement: TTN is on the minus strand). VCF-style: chr2-178570173-G-C. GRCh37 (hg19) VCF-style: chr2-179434900-G-C.
Other names: c.71036C>G, p.Ser23679Ter (NM_001256850.1); c.48764C>G, p.Ser16255Ter (NM_003319.4); c.68255C>G, p.Ser22752Ter (NM_133378.4); c.49139C>G, p.Ser16380Ter (NM_133432.3); c.49340C>G, p.Ser16447Ter (NM_133437.4); short protein forms S16255*, S16380*, S16447*, S22752*, S23679*, S25320*.
Identifiers: ClinVar variation 4882145 (VCV004882145.2).

ClinVar aggregate classification (germline): Likely pathogenic (1 of 4 stars; one submission).

Submission:

Dasa
Classification: Likely pathogenic. Last evaluated: 2026-02-19. Review status: criteria provided, single submitter. Criteria: DASA Assertion Criteria. Collection method: clinical testing. Allele origin: germline.
Comment: NM_001267550.2(TTN):c.75959C>G (p.Ser25320*) is a nonsense variant in TTN predicted to introduce a premature termination codon and is predicted to result in an absent or altered protein product. Loss of function is an established disease mechanism for TTN-associated disorders. Also, this variant is absent from population databases. Based on the currently available evidence, this variant is classified as likely pathogenic.